The following is an entry in ClinVar:

ClinVar aggregate classification (germline): Uncertain significance (1 of 4 stars; one submission).

Conditions:
Nephronophthisis. Also called: Juvenile Nephronophthisis. Identifiers: Orphanet 655, MedGen C0687120, MONDO:0019005, HP:0000090.

Submission:

Labcorp Genetics (formerly Invitae), Labcorp
Classification: Uncertain significance for Nephronophthisis. Last evaluated: 2025-04-04. Review status: criteria provided, single submitter. Criteria: Invitae Variant Classification Sherloc (09022015). Collection method: clinical testing. Allele origin: germline.
Comment: This sequence change replaces tryptophan, which is neutral and slightly polar, with glycine, which is neutral and non-polar, at codon 953 of the INVS protein (p.Trp953Gly). This variant is not present in population databases (gnomAD no frequency). This variant has not been reported in the literature in individuals affected with INVS-related conditions. An algorithm developed to predict the effect of missense changes on protein structure and function (PolyPhen-2) suggests that this variant is likely to be tolerated. In summary, the available evidence is currently insufficient to determine the role of this variant in disease. Therefore, it has been classified as a Variant of Uncertain Significance.

NM_014425.5(INVS):c.2857T>G (p.Trp953Gly)

Gene: INVS (inversin; plus strand). Cytogenetic location: 9q31.1.
Variant type: single nucleotide variant.
Coding change: c.2857T>G on transcript NM_014425.5 (MANE Select); coding-DNA position 2857, T replaced by G.
Protein change: p.Trp953Gly; replaces tryptophan 953 with glycine.
Molecular consequence: missense variant. On other transcripts: non-coding transcript variant (1).
Genome position (GRCh38, 1-based): chr9:100,296,987, T>G. VCF-style: chr9-100296987-T-G. GRCh37 (hg19) VCF-style: chr9-103059269-T-G.
Other names: c.2569T>G, p.Trp857Gly (NM_001318381.2); c.1879T>G, p.Trp627Gly (NM_001318382.2); short protein forms W953G, W857G, W627G.
Identifiers: ClinVar variation 4716740 (VCV004716740.1).